The following is an entry in ClinVar:

NM_017644.3(KLHL24):c.7C>T (p.Leu3=)

Gene: KLHL24 (kelch like family member 24; plus strand). Cytogenetic location: 3q27.1.
Variant type: single nucleotide variant.
Coding change: c.7C>T on transcript NM_017644.3 (MANE Select); coding-DNA position 7, C replaced by T.
Protein change: p.Leu3=; no amino-acid change (leucine 3 retained).
Molecular consequence: synonymous variant. On other transcripts: 5 prime UTR variant (2), non-coding transcript variant (2).
Genome position (GRCh38, 1-based): chr3:183,650,363, C>T. VCF-style: chr3-183650363-C-T. GRCh37 (hg19) VCF-style: chr3-183368151-C-T.
Other names: c.7C>T, p.Leu3= (NM_001349413.1, NM_001349414.1, NM_001349415.1 and 11 more transcripts); c.-960C>T (NM_001349428.1, NM_001349429.1).
Identifiers: ClinVar variation 4737406 (VCV004737406.3).

ClinVar aggregate classification (germline): Benign/Likely benign. Review status: criteria provided, multiple submitters, no conflicts (2 of 4 stars). 3 submissions from 3 submitters: Benign (1); Likely benign (2). Last evaluated 2025-12-17.

Conditions:
KLHL24-related disorder. Also called: KLHL24-related condition.

gnomAD v4.1: 368 of 1,611,196 alleles (0.023%); highest among the groups gnomAD compares: South Asian, 0.39%; 3 homozygotes.

Submissions (3):

Labcorp Genetics (formerly Invitae), Labcorp
Classification: Benign. Last evaluated: 2025-12-17. Review status: criteria provided, single submitter. Criteria: Invitae Variant Classification Sherloc (09022015). Collection method: clinical testing. Allele origin: germline.

PreventionGenetics, part of Exact Sciences
Classification: Likely benign for KLHL24-related condition. Last evaluated: 2025-10-22. Review status: criteria provided, single submitter. Criteria: ACMG Guidelines, 2015. Collection method: clinical testing. Allele origin: germline.
Comment: This variant is classified as likely benign based on ACMG/AMP sequence variant interpretation guidelines (Richards et al. 2015 PMID: 25741868, with internal and published modifications).

Blueprint Genetics
Classification: Likely benign. Last evaluated: 2024-10-25. Review status: criteria provided, single submitter. Criteria: ACMG Guidelines, 2015. Collection method: clinical testing. Allele origin: germline.